The following is an entry in ClinVar:

NM_017763.6(RNF43):c.1199G>T (p.Gly400Val)

Gene: RNF43 (ring finger protein 43; minus strand). Cytogenetic location: 17q22.
Variant type: single nucleotide variant.
Coding change: c.1199G>T on transcript NM_017763.6 (MANE Select); coding-DNA position 1199, G replaced by T.
Protein change: p.Gly400Val; replaces glycine 400 with valine.
Molecular consequence: missense variant.
Genome position (GRCh38, 1-based): chr17:58,358,577, C>A on the plus strand (G>T on the coding strand, the complement: RNF43 is on the minus strand). VCF-style: chr17-58358577-C-A. GRCh37 (hg19) VCF-style: chr17-56435938-C-A.
Other names: c.1199G>T, p.Gly400Val (NM_001305544.3); c.818G>T, p.Gly273Val (NM_001305545.2); c.1199G>T (NM_017763.4); short protein forms G400V, G273V.
Identifiers: ClinVar variation 3582376 (VCV003582376.2).

ClinVar aggregate classification (germline): Uncertain significance. Review status: criteria provided, multiple submitters, no conflicts (2 of 4 stars). 2 submissions from 2 submitters: Uncertain significance (2). Last evaluated 2025-11-19.

Conditions:
Sessile serrated polyposis cancer syndrome (SSPCS). Identifiers: Orphanet 157798, MedGen C4310714, MONDO:0014919, OMIM 617108.

Submissions (2):

Ambry Genetics
Classification: Uncertain significance. Last evaluated: 2025-11-19. Review status: criteria provided, single submitter. Criteria: Ambry Variant Classification Scheme 2023. Collection method: clinical testing. Allele origin: germline.
Comment: The p.G400V variant (also known as c.1199G>T), located in coding exon 8 of the RNF43 gene, results from a G to T substitution at nucleotide position 1199. The glycine at codon 400 is replaced by valine, an amino acid with dissimilar properties. This amino acid position is conserved. In addition, this alteration is predicted to be tolerated by in silico analysis. Based on the available evidence, the clinical significance of this variant remains unclear.

Fulgent Genetics
Classification: Uncertain significance for Sessile serrated polyposis cancer syndrome. Last evaluated: 2024-05-15. Review status: criteria provided, single submitter. Criteria: ACMG Guidelines, 2015. Collection method: clinical testing. Allele origin: germline.